The following is an entry in ClinVar:

NM_002204.4(ITGA3):c.2004G>C (p.Glu668Asp)

Gene: ITGA3 (integrin subunit alpha 3; plus strand). Cytogenetic location: 17q21.33.
Variant type: single nucleotide variant.
Coding change: c.2004G>C on transcript NM_002204.4 (MANE Select); coding-DNA position 2004, G replaced by C.
Protein change: p.Glu668Asp; replaces glutamic acid 668 with aspartic acid.
Molecular consequence: missense variant.
Genome position (GRCh38, 1-based): chr17:50,077,055, G>C. VCF-style: chr17-50077055-G-C. GRCh37 (hg19) VCF-style: chr17-48154419-G-C.
Other names: NM_005501.2:c.2004G>C; short protein forms E668D.
Identifiers: ClinVar variation 1913897 (VCV001913897.4), dbSNP rs749579801, ClinGen allele CA8641775.

ClinVar aggregate classification (germline): Uncertain significance. Review status: criteria provided, multiple submitters, no conflicts (2 of 4 stars). 2 submissions from 2 submitters: Uncertain significance (2). Last evaluated 2024-01-02.

Conditions:
Inborn genetic diseases. Identifiers: MedGen C0950123, MeSH D030342.

Allele frequency attached by ClinVar (database versions not stated): gnomAD 0.00001; TOPMed 0.00002; gnomAD exomes 0.00003; ExAC 0.00007.
gnomAD v4.1: 46 of 1,604,852 alleles (0.0029%); highest among the groups gnomAD compares: Non-Finnish European, 0.0037%; no homozygotes.

Submissions (2):

Ambry Genetics
Classification: Uncertain significance for Inborn genetic diseases. Last evaluated: 2024-01-02. Review status: criteria provided, single submitter. Criteria: Ambry Variant Classification Scheme 2023. Collection method: clinical testing. Allele origin: germline.

Labcorp Genetics (formerly Invitae), Labcorp
Classification: Uncertain significance. Last evaluated: 2022-05-15. Review status: criteria provided, single submitter. Criteria: Invitae Variant Classification Sherloc (09022015). Collection method: clinical testing. Allele origin: germline.
Comment: This sequence change replaces glutamic acid, which is acidic and polar, with aspartic acid, which is acidic and polar, at codon 668 of the ITGA3 protein (p.Glu668Asp). This variant is present in population databases (rs749579801, gnomAD 0.005%). This variant has not been reported in the literature in individuals affected with ITGA3-related conditions. Algorithms developed to predict the effect of missense changes on protein structure and function (SIFT, PolyPhen-2, Align-GVGD) all suggest that this variant is likely to be tolerated. In summary, the available evidence is currently insufficient to determine the role of this variant in disease. Therefore, it has been classified as a Variant of Uncertain Significance.